The following is an entry in ClinVar:

NM_000138.5(FBN1):c.5512G>A (p.Gly1838Ser)

Gene: FBN1 (fibrillin 1; minus strand). Cytogenetic location: 15q21.1.
Variant type: single nucleotide variant.
Coding change: c.5512G>A on transcript NM_000138.5 (MANE Select); coding-DNA position 5512, G replaced by A.
Protein change: p.Gly1838Ser; replaces glycine 1838 with serine.
Molecular consequence: missense variant.
Genome position (GRCh38, 1-based): chr15:48,452,595, C>T on the plus strand (G>A on the coding strand, the complement: FBN1 is on the minus strand). VCF-style: chr15-48452595-C-T. GRCh37 (hg19) VCF-style: chr15-48744792-C-T.
Other names: p.Gly1838Ser; short protein forms G1838S.
Identifiers: ClinVar variation 457232 (VCV000457232.19), dbSNP rs397515823, ClinGen allele CA392344045.
Genomic context (GRCh38, chr15:48,452,595, plus strand): 5'-ATGTCCAGCCTGTGGGGCACTACATACCATTGCACTGTCCTGTGGAGGTGAAGCGGTAGC[C>T]GGGCTTACAGTCACAGCGGTAGCTGCCTGCAGTGTTGATGCATTCGGCGTTGCGCTGGCA-3'
Protein context (NP_000129.3, residues 1828-1848): AGSYRCDCKP[Gly1838Ser]YRFTSTGQCN

ClinVar aggregate classification (germline): Conflicting classifications of pathogenicity. Review status: criteria provided, conflicting classifications (1 of 4 stars). 7 submissions from 7 submitters: Pathogenic (2); Likely pathogenic (3); Uncertain significance (1). 1 of the submissions does not count toward it. Last evaluated 2026-10-31.

Conditions:
Marfan syndrome (MFS). Also called: Marfan syndrome, classic; FBN1-Related Marfan Syndrome; MARFAN SYNDROME, TYPE I; Marfan syndrome type 1; Marfan's syndrome. Identifiers: Orphanet 284963, Orphanet 558, MedGen C0024796, MONDO:0007947, OMIM 154700.
Familial thoracic aortic aneurysm and aortic dissection (TAAD). Also called: Thoracic aortic aneurysms and dissections. Identifiers: Orphanet 91387, MedGen C4707243, MONDO:0019625.
Marfan Syndrome/Loeys-Dietz Syndrome/Familial Thoracic Aortic Aneurysms and Dissections. Identifiers: MedGen CN229799.

Allele frequency attached by ClinVar (database versions not stated): gnomAD exomes below 0.00001; gnomAD 0.00001.
gnomAD v4.1: 4 of 1,613,992 alleles (0.00025%); highest among the groups gnomAD compares: South Asian, 0.0011%; no homozygotes.

Submissions (7):

Department of Molecular Genetics, Istishari Arab Hospital
Classification: Likely pathogenic for Marfan syndrome. Last evaluated: 2026-10-31. Review status: criteria provided, single submitter. Criteria: ACMG Guidelines, 2015. Collection method: clinical testing. Allele origin: germline. Inheritance: Autosomal dominant inheritance. Affected: yes.
Comment: The FBN1 c.5512G>A, p.Gly1838Ser variant is a missense substitution replacing a conserved glycine with serine at position 1838 of fibrillin-1. It is very rare in gnomAD v4.1 (allele frequency approximately 0.00000248), with no homozygous individuals reported. Computational predictions support a deleterious effect on protein function (REVEL: 0.964; AlphaMissense: 0.755). The variant has been reported in individuals with Marfan syndrome or related aortopathy phenotypes (PMID: 29510914, 36380655, 36517271). It is classified as likely pathogenic based on the ACMG/AMP/ClinGen SVI guidelines.

Ambry Genetics
Classification: Likely pathogenic for Familial thoracic aortic aneurysm and aortic dissection. Last evaluated: 2025-11-12. Review status: criteria provided, single submitter. Criteria: Ambry Variant Classification Scheme 2023. Collection method: clinical testing. Allele origin: germline.
Comment: The p.G1838S variant (also known as c.5512G>A), located in coding exon 44 of the FBN1 gene, results from a G to A substitution at nucleotide position 5512. The glycine at codon 1838 is replaced by serine, an amino acid with similar properties. This variant was reported in individual(s) with features consistent with Marfan syndrome and related fibrillinopathies (Hicks KL et al. J Vasc Surg, 2018 Sep;68:701-711; Lauffer P et al. Am J Med Genet A, 2023 Feb;191:479-489; Yang H et al. J Thorac Cardiovasc Surg, 2023 Dec;166:1594-1603.e5; external communication; Ambry internal data). Based on internal structural analysis, this variant is anticipated to result in a significant decrease in structural stability (Handford PA et al. Nature, 1991 May;351:164-7; Lee SS et al. Structure, 2004 Apr;12:717-29; Khau Van Kien P et al. Hum Mutat, 2010 Jan;31:E1021-42). This amino acid position is highly conserved in available vertebrate species. In addition, this alteration is predicted to be deleterious by in silico analysis. This variant is considered to be rare based on population cohorts in the Genome Aggregation Database (gnomAD). Based on the majority of available evidence to date, this variant is likely to be pathogenic.

Labcorp Genetics (formerly Invitae), Labcorp
Classification: Pathogenic for Marfan syndrome; Familial thoracic aortic aneurysm and aortic dissection. Last evaluated: 2025-10-08. Review status: criteria provided, single submitter. Criteria: Invitae Variant Classification Sherloc (09022015). Collection method: clinical testing. Allele origin: germline.
Comment: This sequence change replaces glycine, which is neutral and non-polar, with serine, which is neutral and polar, at codon 1838 of the FBN1 protein (p.Gly1838Ser). This variant is not present in population databases (gnomAD no frequency). This missense change has been observed in individuals with FBN1-related conditions (internal data). ClinVar contains an entry for this variant (Variation ID: 457232). Invitae Evidence Modeling of protein sequence and biophysical properties (such as structural, functional, and spatial information, amino acid conservation, physicochemical variation, residue mobility, and thermodynamic stability) indicates that this missense variant is expected to disrupt FBN1 protein function with a positive predictive value of 95%. For these reasons, this variant has been classified as Pathogenic.

Victorian Clinical Genetics Services, Murdoch Childrens Research Institute
Classification: Pathogenic for Marfan syndrome. Last evaluated: 2025-07-01. Review status: criteria provided, single submitter. Criteria: ACMG Guidelines, 2015. Collection method: clinical testing. Allele origin: germline. Affected: yes.
Comment: This variant is classified as Pathogenic. Evidence in support of pathogenic classification: Variant is present in gnomAD <0.001 for a dominant condition (v4: 4 heterozygote(s), 0 homozygote(s)); This variant has strong previous evidence of pathogenicity in unrelated individuals. This variant has been classified as pathogenic, likely pathogenic and as a VUS by clinical laboratories, some of whom reported individuals with FBN1-related features (ClinVar, LOVD, personal communication). It has also been reported in the literature in individuals with FBN1-related features (PMIDs: 29510914, 29875124); Other missense variant(s) comparable to the one identified in this case have strong previous evidence for pathogenicity. Multiple alternate amino acid changes at this position have been classified by clinical laboratories in ClinVar: p.(Gly1838Cys) and p.(Gly1838Arg) as likely pathogenic, p.(Gly1838Asp) as pathogenic and as a VUS, and p.(Gly1838Ala) as a VUS; Missense variant predicted to be damaging by in silico tool(s) or highly conserved with a major amino acid change. Additional information: Variant is predicted to result in a missense amino acid change from Gly to Ser; This variant is heterozygous; This gene is predominantly associated with autosomal dominant disease; autosomal recessive forms of Marfan syndrome have rarely been reported (PMIDs: 27274304; 31950671); No published evidence of segregation with disease has been identified for this variant; No published functional evidence has been identified for this variant; Variant is located in the annotated calcium-binding EGF domain (DECIPHER); Dominant negative and loss of function are known mechanisms of disease in this gene and are associated with FBN1-related disease. Variants predicted to result in nonsense mediated decay cause loss of function effects, and are more commonly associated with severe Marfan syndrome (MIM#154700). Missense variants with both dominant negative and loss of function effects on protein function, are associated with Marfan syndrome and ectopia lentis (MIM#129600) (OMIM, PMID: 29357934). The exact genotype-phenotype correlation for this gene is still unclear, and is compounded by variable expressivity (PMID: 20301510); Variants in this gene are known to have variable expressivity. The genotype-phenotype correlations for this gene are unclear, with single variants reported in patients with a range of phenotypes (PMID: 20301510, OMIM).

Women's Health and Genetics/Laboratory Corporation of America, LabCorp
Classification: Likely pathogenic for Marfan Syndrome/Loeys-Dietz Syndrome/Familial Thoracic Aortic Aneurysms and Dissections. Last evaluated: 2025-03-17. Review status: criteria provided, single submitter. Criteria: LabCorp Variant Classification Summary - May 2015. Collection method: clinical testing. Allele origin: germline.
Comment: Variant summary: FBN1 c.5512G>A (p.Gly1838Ser) results in a non-conservative amino acid change in the encoded protein sequence. Five of five in-silico tools predict a damaging effect of the variant on protein function. The variant was absent in 251256 control chromosomes. c.5512G>A has been reported in the heterozygous state in the literature and internally in multiple individuals affected with Marfan Syndrome and or TAAD (example, Labcorp Genetics (formerly Invitae), Lauffer_2023, Yang_2023). These data indicate that the variant may be associated with disease. Further, a different amino acid change at this codon (c.5512G>T, p.Gly1838Cys) has been classified as likely pathogenic/pathogenic at Labcorp, supporting the clinical relevance of the FBN1 p.Gly1838 residue. To our knowledge, no experimental evidence demonstrating an impact on protein function has been reported. The following publications have been ascertained in the context of this evaluation (PMID: 29510914, 37684520, 36380655, 36517271). ClinVar contains an entry for this variant (Variation ID: 457232). Based on the evidence outlined above, the variant was classified as likely pathogenic.

GeneDx
Classification: Uncertain significance. Last evaluated: 2024-12-17. Review status: criteria provided, single submitter. Criteria: GeneDx Variant Classification Process June 2021. Collection method: clinical testing. Allele origin: germline. Affected: yes.
Comment: Identified in a patient with history of hepatic artery aneurysm in published literature (PMID: 29510914); Not observed at significant frequency in large population cohorts (gnomAD); In silico analysis supports that this missense variant has a deleterious effect on protein structure/function; Does not affect a cysteine or calcium-binding residue within an EGF-like domain or a TGF-binding protein domain of the FBN1 gene; cysteine substitutions in the EGF-like domains represent the majority of pathogenic missense changes associated with FBN1-related disorders (PMID: 12938084); This variant is associated with the following publications: (PMID: 12938084, 29510914)

Center for Medical Genetics Ghent, University of Ghent
Classification: Uncertain significance for Marfan syndrome. Last evaluated: 2017-11-07. Review status: no assertion criteria provided. Collection method: clinical testing. Allele origin: germline. Affected: yes. Not counted in ClinVar's aggregate classification.

Literature cited by the submitters: PubMed 29510914 (cited by 4 submitters); PubMed 36380655 (cited by 3 submitters); PubMed 36517271 (cited by 3 submitters); PubMed 15062093 (cited by Ambry Genetics); PubMed 19802897 (cited by Ambry Genetics); PubMed 2030732 (cited by Ambry Genetics); PubMed 27274304 (cited by Victorian Clinical Genetics Services, Murdoch Childrens Research Institute); PubMed 20301510 (cited by Victorian Clinical Genetics Services, Murdoch Childrens Research Institute); PubMed 29357934 (cited by Victorian Clinical Genetics Services, Murdoch Childrens Research Institute); PubMed 29875124 (cited by Victorian Clinical Genetics Services, Murdoch Childrens Research Institute); PubMed 37684520 (cited by Women's Health and Genetics/Laboratory Corporation of America, LabCorp).